The following is an entry in ClinVar:

ClinVar aggregate classification (germline): Uncertain significance. Review status: criteria provided, multiple submitters, no conflicts (2 of 4 stars). 2 submissions from 2 submitters: Uncertain significance (2). Last evaluated 2025-09-25.

Conditions:
Charcot-Marie-Tooth disease type 2R. Also called: Charcot-Marie-Tooth disease, axonal, type 2R; CHARCOT-MARIE-TOOTH DISEASE, AXONAL, AUTOSOMAL RECESSIVE, TYPE 2R; CHARCOT-MARIE-TOOTH NEUROPATHY, TYPE 2R. Identifiers: Orphanet 397968, MedGen C3809655, MONDO:0014208, OMIM 615490.

Allele frequency attached by ClinVar (database versions not stated): TOPMed 0.00002; gnomAD exomes 0.00004; ExAC 0.00006.
gnomAD v4.1: 30 of 1,613,930 alleles (0.0019%); highest among the groups gnomAD compares: South Asian, 0.0044%; 1 homozygote.

Submissions (2):

Ambry Genetics
Classification: Uncertain significance. Last evaluated: 2025-09-25. Review status: criteria provided, single submitter. Criteria: Ambry Variant Classification Scheme 2023. Collection method: clinical testing. Allele origin: germline.

Labcorp Genetics (formerly Invitae), Labcorp
Classification: Uncertain significance for Charcot-Marie-Tooth disease type 2R. Last evaluated: 2022-12-16. Review status: criteria provided, single submitter. Criteria: Invitae Variant Classification Sherloc (09022015). Collection method: clinical testing. Allele origin: germline.
Comment: In summary, the available evidence is currently insufficient to determine the role of this variant in disease. Therefore, it has been classified as a Variant of Uncertain Significance. Algorithms developed to predict the effect of missense changes on protein structure and function are either unavailable or do not agree on the potential impact of this missense change (SIFT: "Deleterious"; PolyPhen-2: "Possibly Damaging"; Align-GVGD: "Class C0"). ClinVar contains an entry for this variant (Variation ID: 951226). This variant has not been reported in the literature in individuals affected with TRIM2-related conditions. This variant is present in population databases (rs770933241, gnomAD 0.006%). This sequence change replaces arginine, which is basic and polar, with cysteine, which is neutral and slightly polar, at codon 585 of the TRIM2 protein (p.Arg585Cys).

NM_015271.5(TRIM2):c.1834C>T (p.Arg612Cys)

Gene: TRIM2 (tripartite motif containing 2; plus strand). Cytogenetic location: 4q31.3.
Variant type: single nucleotide variant.
Coding change: c.1834C>T on transcript NM_015271.5 (MANE Select); coding-DNA position 1834, C replaced by T.
Protein change: p.Arg612Cys; replaces arginine 612 with cysteine.
Molecular consequence: missense variant.
Genome position (GRCh38, 1-based): chr4:153,322,699, C>T. VCF-style: chr4-153322699-C-T. GRCh37 (hg19) VCF-style: chr4-154243851-C-T.
Other names: c.1753C>T, p.Arg585Cys (NM_001130067.2, NM_001351056.2, NM_001375512.1 and 5 more transcripts); c.1807C>T, p.Arg603Cys (NM_001351054.2); c.1804C>T, p.Arg602Cys (NM_001351055.2); c.1378C>T, p.Arg460Cys (NM_001351057.2); c.1927C>T, p.Arg643Cys (NM_001375488.1); c.1924C>T, p.Arg642Cys (NM_001375489.1); c.1777C>T, p.Arg593Cys (NM_001375490.1); c.1774C>T, p.Arg592Cys (NM_001375491.1); and 4 more; short protein forms R499C, R603C, R592C, R593C, R642C, R643C, R460C, R500C.
Identifiers: ClinVar variation 951226 (VCV000951226.10), dbSNP rs770933241, ClinGen allele CA3108833.